The following is an entry in ClinVar:

NM_001370259.2(MEN1):c.871C>T (p.Pro291Ser)

Gene: MEN1 (menin 1; minus strand). Cytogenetic location: 11q13.1.
Variant type: single nucleotide variant.
Coding change: c.871C>T on transcript NM_001370259.2 (MANE Select); coding-DNA position 871, C replaced by T.
Protein change: p.Pro291Ser; replaces proline 291 with serine.
Molecular consequence: missense variant.
Genome position (GRCh38, 1-based): chr11:64,807,052, G>A on the plus strand (C>T on the coding strand, the complement: MEN1 is on the minus strand). VCF-style: chr11-64807052-G-A. GRCh37 (hg19) VCF-style: chr11-64574524-G-A.
Other names: c.886C>T, p.Pro296Ser (NM_000244.4, NM_001407145.1, NM_001407150.1 and 5 more transcripts); c.871C>T, p.Pro291Ser (NM_001370251.2, NM_001370260.2, NM_001370261.2 and 7 more transcripts); c.766C>T, p.Pro256Ser (NM_001370262.2, NM_001370263.2, NM_001407148.1 and 2 more transcripts); short protein forms P256S, P291S, P296S.
Identifiers: ClinVar variation 2415927 (VCV002415927.7), dbSNP rs1413160325, ClinGen allele CA381183559.

ClinVar aggregate classification (germline): Uncertain significance. Review status: criteria provided, multiple submitters, no conflicts (2 of 4 stars). 2 submissions from 2 submitters: Uncertain significance (2). Last evaluated 2024-09-09.

Conditions:
Hereditary cancer-predisposing syndrome. Also called: Hereditary neoplastic syndrome; Tumor predisposition; Neoplastic Syndromes, Hereditary; Hereditary Cancer Syndrome. Identifiers: Orphanet 140162, MedGen C0027672, MeSH D009386, MONDO:0015356.
Multiple endocrine neoplasia, type 1 (MEN1). Also called: MEN I; WERMER SYNDROME; Endocrine adenomatosis multiple; MEN 1; MEA I. Identifiers: Orphanet 652, MedGen C0025267, MeSH D018761, MONDO:0007540, OMIM 131100.

Allele frequency attached by ClinVar (database versions not stated): TOPMed below 0.00001.

Submissions (2):

Ambry Genetics
Classification: Uncertain significance for Hereditary cancer-predisposing syndrome. Last evaluated: 2024-09-09. Review status: criteria provided, single submitter. Criteria: Ambry Variant Classification Scheme 2023. Collection method: clinical testing. Allele origin: germline.
Comment: The p.P291S variant (also known as c.871C>T), located in coding exon 5 of the MEN1 gene, results from a C to T substitution at nucleotide position 871. The proline at codon 291 is replaced by serine, an amino acid with similar properties. This amino acid position is conserved. In addition, the in silico prediction for this alteration is inconclusive. Based on the available evidence, the clinical significance of this variant remains unclear.

Labcorp Genetics (formerly Invitae), Labcorp
Classification: Uncertain significance for Multiple endocrine neoplasia, type 1. Last evaluated: 2022-08-19. Review status: criteria provided, single submitter. Criteria: Invitae Variant Classification Sherloc (09022015). Collection method: clinical testing. Allele origin: germline.
Comment: This sequence change replaces proline, which is neutral and non-polar, with serine, which is neutral and polar, at codon 291 of the MEN1 protein (p.Pro291Ser). This variant is not present in population databases (gnomAD no frequency). This variant has not been reported in the literature in individuals affected with MEN1-related conditions. Advanced modeling of protein sequence and biophysical properties (such as structural, functional, and spatial information, amino acid conservation, physicochemical variation, residue mobility, and thermodynamic stability) performed at Invitae indicates that this missense variant is expected to disrupt MEN1 protein function. In summary, the available evidence is currently insufficient to determine the role of this variant in disease. Therefore, it has been classified as a Variant of Uncertain Significance.